The following is an entry in ClinVar:

NM_024678.6(NARS2):c.1026+10del

Gene: NARS2 (asparaginyl-tRNA synthetase 2, mitochondrial; minus strand). Cytogenetic location: 11q14.1.
Variant type: Deletion.
Coding change: c.1026+10del on transcript NM_024678.6 (MANE Select); 10 bases into the intron after coding-DNA position 1026, one base deleted (T; older notation c.1026+10delT).
Molecular consequence: intron variant.
Genome position (GRCh38, 1-based): chr11:78,469,237, A deleted on the plus strand (T on the coding strand, the reverse complement: NARS2 is on the minus strand); the first of 4 consecutive A bases (chr11:78,469,237-78,469,240); deleting any one gives the same sequence. VCF-style (leftmost placement, unchanged base first): chr11-78469236-CA-C. GRCh37 (hg19) VCF-style: chr11-78180282-CA-C.
Other names: c.1026+10delT (NM_024678.5); c.345+10del (NM_001243251.2).
Identifiers: ClinVar variation 508968 (VCV000508968.1), dbSNP rs1555015571, ClinGen allele CA658797713.
Genomic context (GRCh38, chr11:78,469,236, plus strand): 5'-TAACACAGTAAGCTAAAGACAAGAAGGAAGCATTTTCACACACACATATATACATACACA[CA>C]AAATACTACCTCTGGGGTAAAGGTGAAGTTCTGGGATGCTTGCTTTAAGATCTCCACTGC-3'

ClinVar aggregate classification (germline): Likely benign (1 of 4 stars; one submission).

Submission:

GeneDx
Classification: Likely benign. Last evaluated: 2017-04-28. Review status: criteria provided, single submitter. Criteria: GeneDx Variant Classification (06012015). Collection method: clinical testing. Allele origin: germline. Affected: yes.
Comment: This variant is considered likely benign or benign based on one or more of the following criteria: it is a conservative change, it occurs at a poorly conserved position in the protein, it is predicted to be benign by multiple in silico algorithms, and/or has population frequency not consistent with disease.